The following is an entry in ClinVar:

NM_000217.3(KCNA1):c.1363A>G (p.Met455Val)

Gene: KCNA1 (potassium voltage-gated channel subfamily A member 1; plus strand). Cytogenetic location: 12p13.32.
Variant type: single nucleotide variant.
Coding change: c.1363A>G on transcript NM_000217.3 (MANE Select); coding-DNA position 1363, A replaced by G.
Protein change: p.Met455Val; replaces methionine 455 with valine.
Molecular consequence: missense variant.
Genome position (GRCh38, 1-based): chr12:4,912,741, A>G. VCF-style: chr12-4912741-A-G. GRCh37 (hg19) VCF-style: chr12-5021907-A-G.
Other names: short protein forms M455V.
Identifiers: ClinVar variation 1021989 (VCV001021989.8), dbSNP rs1173585397, ClinGen allele CA383456614.

ClinVar aggregate classification (germline): Uncertain significance (1 of 4 stars; one submission).

Conditions:
Episodic ataxia type 1 (EA1). Also called: ATAXIA, EPISODIC, WITH MYOKYMIA; Episodic ataxia/myokymia syndrome; MYOKYMIA WITH PERIODIC ATAXIA; PAROXYSMAL ATAXIA WITH NEUROMYOTONIA, HEREDITARY. Identifiers: Orphanet 37612, Orphanet 972, MedGen C1719788, MONDO:0008047, OMIM 160120.

Allele frequency attached by ClinVar (database versions not stated): TOPMed below 0.00001.

Submission:

Labcorp Genetics (formerly Invitae), Labcorp
Classification: Uncertain significance for Episodic ataxia type 1. Last evaluated: 2022-08-30. Review status: criteria provided, single submitter. Criteria: Invitae Variant Classification Sherloc (09022015). Collection method: clinical testing. Allele origin: germline.
Comment: This variant is not present in population databases (gnomAD no frequency). This sequence change replaces methionine, which is neutral and non-polar, with valine, which is neutral and non-polar, at codon 455 of the KCNA1 protein (p.Met455Val). This variant has not been reported in the literature in individuals affected with KCNA1-related conditions. In summary, the available evidence is currently insufficient to determine the role of this variant in disease. Therefore, it has been classified as a Variant of Uncertain Significance. Advanced modeling of protein sequence and biophysical properties (such as structural, functional, and spatial information, amino acid conservation, physicochemical variation, residue mobility, and thermodynamic stability) performed at Invitae indicates that this missense variant is not expected to disrupt KCNA1 protein function. ClinVar contains an entry for this variant (Variation ID: 1021989).